The following is an entry in ClinVar:

NM_012330.4(KAT6B):c.5609G>C (p.Gly1870Ala)

Gene: KAT6B (lysine acetyltransferase 6B; plus strand). Cytogenetic location: 10q22.2.
Variant type: single nucleotide variant.
Coding change: c.5609G>C on transcript NM_012330.4 (MANE Select); coding-DNA position 5609, G replaced by C.
Protein change: p.Gly1870Ala; replaces glycine 1870 with alanine.
Molecular consequence: missense variant.
Genome position (GRCh38, 1-based): chr10:75,030,433, G>C. VCF-style: chr10-75030433-G-C. GRCh37 (hg19) VCF-style: chr10-76790191-G-C.
Other names: c.5060G>C, p.Gly1687Ala (NM_001256468.2, NM_001370138.1); c.4733G>C, p.Gly1578Ala (NM_001256469.2, NM_001370139.1, NM_001370140.1 and 2 more transcripts); c.4571G>C, p.Gly1524Ala (NM_001370132.1); c.3920G>C, p.Gly1307Ala (NM_001370133.1); c.3524G>C, p.Gly1175Ala (NM_001370134.1); c.3266G>C, p.Gly1089Ala (NM_001370135.1); c.5609G>C, p.Gly1870Ala (NM_001370136.1, NM_001370137.1); c.4544G>C, p.Gly1515Ala (NM_001370143.1, NM_001370144.1); short protein forms G1089A, G1175A, G1307A, G1515A, G1524A, G1578A, G1687A, G1870A.
Identifiers: ClinVar variation 2580947 (VCV002580947.3), dbSNP rs2549212959, ClinGen allele CA377301799.

ClinVar aggregate classification (germline): Uncertain significance. Review status: criteria provided, multiple submitters, no conflicts (2 of 4 stars). 2 submissions from 2 submitters: Uncertain significance (2). Last evaluated 2024-06-18.

Conditions:
Blepharophimosis - intellectual disability syndrome, SBBYS type (SBBYSS). Also called: Say-Barber-Biesecker-Young-Simpson variant of Ohdo Syndrome; Say-Barber-Biesecker Variant of Ohdo Syndrome; Ohdo syndrome, SBBYS variant; SBBYSS syndrome; Say-Barber-Biesecker-Young-Simpson syndrome; Say-Barber-Biesecker variant of Ohdo syndrome (SBBYSS). Identifiers: Orphanet 3047, MedGen C1863557, MONDO:0011365, OMIM 603736.
Genitopatellar syndrome (GTPTS). Also called: ABSENT PATELLAE, SCROTAL HYPOPLASIA, RENAL ANOMALIES, FACIAL DYSMORPHISM, AND MENTAL RETARDATION; Genitopatellar syndrome (GPS). Identifiers: Orphanet 85201, MedGen C1853566, MONDO:0011640, OMIM 606170.

gnomAD v4.1: 2 of 1,614,138 alleles (0.00012%); no homozygotes.

Submissions (2):

Labcorp Genetics (formerly Invitae), Labcorp
Classification: Uncertain significance for Genitopatellar syndrome. Last evaluated: 2024-06-18. Review status: criteria provided, single submitter. Criteria: Invitae Variant Classification Sherloc (09022015). Collection method: clinical testing. Allele origin: germline.
Comment: This sequence change replaces glycine, which is neutral and non-polar, with alanine, which is neutral and non-polar, at codon 1870 of the KAT6B protein (p.Gly1870Ala). This variant is not present in population databases (gnomAD no frequency). This variant has not been reported in the literature in individuals affected with KAT6B-related conditions. ClinVar contains an entry for this variant (Variation ID: 2580947). An algorithm developed to predict the effect of missense changes on protein structure and function (PolyPhen-2) suggests that this variant is likely to be disruptive. In summary, the available evidence is currently insufficient to determine the role of this variant in disease. Therefore, it has been classified as a Variant of Uncertain Significance.

Dr. med. U. Finckh, Human Genetics, Eurofins MVZ
Classification: Uncertain significance for Blepharophimosis - intellectual disability syndrome, SBBYS type. Last evaluated: 2022-12-05. Review status: criteria provided, single submitter. Criteria: ACMG Guidelines, 2015. Collection method: clinical testing. Allele origin: maternal. Affected: no. Observed: 2 heterozygotes. Clinical features observed: developmental delay, cognitive impairment.